The following is an entry in ClinVar:

ClinVar aggregate classification (germline): Likely pathogenic (1 of 4 stars; one submission).

Conditions:
Hearing loss, autosomal recessive 57. Also called: DEAFNESS, AUTOSOMAL RECESSIVE 57. Identifiers: MedGen C4693893, MONDO:0033201, OMIM 618003.
Usher syndrome type 2C. Also called: Usher syndrome, type 2B; USHER SYNDROME, TYPE IIC. Identifiers: Orphanet 231178, Orphanet 886, MedGen C2931213, MONDO:0011558, OMIM 605472.
Usher syndrome type 2A. Also called: RETINAL DISEASE IN USHER SYNDROME TYPE IIA, MODIFIER OF; USHER SYNDROME, TYPE IIA. Identifiers: Orphanet 231178, Orphanet 886, MedGen C1848634, MONDO:0010169, OMIM 276901.

Submission:

Juno Genomics, Hangzhou Juno Genomics, Inc
Classification: Likely pathogenic for Usher syndrome type 2A; Hearing loss, autosomal recessive 57; Usher syndrome type 2C. Review status: criteria provided, single submitter. Criteria: ACMG Guidelines, 2015. Collection method: clinical testing. Allele origin: germline.
Comment: Null variant in a gene where loss of function (LOF) is a known mechanism of disease.;Absent from controls (or at extremely low frequency if recessive) in Genome Aggregation Database.

NM_001195263.2(PDZD7):c.1102del (p.Thr368fs)

Gene: PDZD7 (PDZ domain containing 7; minus strand). Cytogenetic location: 10q24.31.
Variant type: Deletion.
Coding change: c.1102del on transcript NM_001195263.2 (MANE Select); coding-DNA position 1102, one base deleted (A; older notation c.1102delA).
Protein change: p.Thr368fs; shifts the reading frame from threonine 368.
Molecular consequence: frameshift variant.
Genome position (GRCh38, 1-based): chr10:101,019,044, T deleted on the plus strand (A on the coding strand, the reverse complement: PDZD7 is on the minus strand). VCF-style (leftmost placement, unchanged base first): chr10-101019043-GT-G. GRCh37 (hg19) VCF-style: chr10-102778800-GT-G.
Other names: c.1102del, p.Thr368fs (NM_001351044.2, NM_001437429.1, NM_024895.5); short protein forms T368fs.
Identifiers: ClinVar variation 5007447 (VCV005007447.2).